The following is an entry in ClinVar:

ClinVar aggregate classification (germline): Uncertain significance. Review status: criteria provided, multiple submitters, no conflicts (2 of 4 stars). 2 submissions from 2 submitters: Uncertain significance (2). Last evaluated 2025-11-21.

Conditions:
Hereditary cancer-predisposing syndrome. Also called: Neoplastic Syndromes, Hereditary; Tumor predisposition; Hereditary Cancer Syndrome; Hereditary neoplastic syndrome. Identifiers: Orphanet 140162, MedGen C0027672, MeSH D009386, MONDO:0015356.
Familial cancer of breast. Also called: Hereditary breast cancer; BREAST CANCER, FAMILIAL; hereditary breast carcinoma. Identifiers: Orphanet 227535, MedGen C0346153, MONDO:0016419, OMIM 114480. Disease mechanism: loss of function.

Submissions (2):

Ambry Genetics
Classification: Uncertain significance for Hereditary cancer-predisposing syndrome. Last evaluated: 2025-11-21. Review status: criteria provided, single submitter. Criteria: Ambry Variant Classification Scheme 2023. Collection method: clinical testing. Allele origin: germline.
Comment: The p.L24F variant (also known as c.72G>T), located in coding exon 2 of the PALB2 gene, results from a G to T substitution at nucleotide position 72. The leucine at codon 24 is replaced by phenylalanine, an amino acid with highly similar properties. This amino acid position is highly conserved in available vertebrate species. In addition, the in silico prediction for this alteration is inconclusive. Based on the available evidence, the clinical significance of this variant remains unclear.

Labcorp Genetics (formerly Invitae), Labcorp
Classification: Uncertain significance for Familial cancer of breast. Last evaluated: 2023-10-22. Review status: criteria provided, single submitter. Criteria: Invitae Variant Classification Sherloc (09022015). Collection method: clinical testing. Allele origin: germline.
Comment: This sequence change replaces leucine, which is neutral and non-polar, with phenylalanine, which is neutral and non-polar, at codon 24 of the PALB2 protein (p.Leu24Phe). This variant is not present in population databases (gnomAD no frequency). This missense change has been observed in individual(s) with breast cancer (PMID: 28825143). ClinVar contains an entry for this variant (Variation ID: 1758207). An algorithm developed to predict the effect of missense changes on protein structure and function (PolyPhen-2) suggests that this variant is likely to be disruptive. In summary, the available evidence is currently insufficient to determine the role of this variant in disease. Therefore, it has been classified as a Variant of Uncertain Significance.

Literature cited by the submitters: PubMed 28825143 (cited by Labcorp Genetics (formerly Invitae), Labcorp).

NM_024675.4(PALB2):c.72G>T (p.Leu24Phe)

Gene: PALB2 (partner and localizer of BRCA2; minus strand). Cytogenetic location: 16p12.2.
Variant type: single nucleotide variant.
Coding change: c.72G>T on transcript NM_024675.4 (MANE Select); coding-DNA position 72, G replaced by T.
Protein change: p.Leu24Phe; replaces leucine 24 with phenylalanine.
Molecular consequence: missense variant.
Genome position (GRCh38, 1-based): chr16:23,638,106, C>A on the plus strand (G>T on the coding strand, the complement: PALB2 is on the minus strand). VCF-style: chr16-23638106-C-A. GRCh37 (hg19) VCF-style: chr16-23649427-C-A.
Other names: c.72G>T, p.Leu24Phe (NM_001407297.1, NM_001407298.1, NM_001407299.1 and 3 more transcripts); c.-814G>T (NM_001407304.1, NM_001407305.1, NM_001407306.1 and 5 more transcripts); short protein forms L24F.
Identifiers: ClinVar variation 1758207 (VCV001758207.6), dbSNP rs587781986, ClinGen allele CA395139827.